The following is an entry in ClinVar:

NM_001194998.2(CEP152):c.2984C>T (p.Ala995Val)

Gene: CEP152 (centrosomal protein 152; minus strand). Cytogenetic location: 15q21.1.
Variant type: single nucleotide variant.
Coding change: c.2984C>T on transcript NM_001194998.2 (MANE Select); coding-DNA position 2984, C replaced by T.
Protein change: p.Ala995Val; replaces alanine 995 with valine.
Molecular consequence: missense variant.
Genome position (GRCh38, 1-based): chr15:48,756,264, G>A on the plus strand (C>T on the coding strand, the complement: CEP152 is on the minus strand). VCF-style: chr15-48756264-G-A. GRCh37 (hg19) VCF-style: chr15-49048461-G-A.
Other names: c.2984C>T, p.Ala995Val (NM_014985.4); short protein forms A995V.
Identifiers: ClinVar variation 1311631 (VCV001311631.5), dbSNP rs146955708, ClinGen allele CA7548434.

ClinVar aggregate classification (germline): Uncertain significance. Review status: criteria provided, multiple submitters, no conflicts (2 of 4 stars). 3 submissions from 3 submitters: Uncertain significance (3). Last evaluated 2022-08-16.

Conditions:
Seckel syndrome 5 (SCKL5). Identifiers: Orphanet 808, MedGen C3151187, MONDO:0013443, OMIM 613823.
Microcephaly 9, primary, autosomal recessive. Identifiers: Orphanet 2512, MedGen C3553886, MONDO:0013923, OMIM 614852.

Allele frequency attached by ClinVar (database versions not stated): ExAC 0.00003; gnomAD exomes 0.00006; ESP Exome Variant Server 0.00008; 1000 Genomes Project 30x 0.00016; 1000 Genomes Project 0.00020.
gnomAD v4.1: 35 of 1,591,530 alleles (0.0022%); highest among the groups gnomAD compares: Admixed American, 0.039%; no homozygotes.

Submissions (3):

Labcorp Genetics (formerly Invitae), Labcorp
Classification: Uncertain significance. Last evaluated: 2022-08-16. Review status: criteria provided, single submitter. Criteria: Invitae Variant Classification Sherloc (09022015). Collection method: clinical testing. Allele origin: germline.
Comment: This sequence change replaces alanine, which is neutral and non-polar, with valine, which is neutral and non-polar, at codon 995 of the CEP152 protein (p.Ala995Val). This variant is present in population databases (rs146955708, gnomAD 0.04%). This variant has not been reported in the literature in individuals affected with CEP152-related conditions. ClinVar contains an entry for this variant (Variation ID: 1311631). Algorithms developed to predict the effect of missense changes on protein structure and function are either unavailable or do not agree on the potential impact of this missense change (SIFT: "Tolerated"; PolyPhen-2: "Possibly Damaging"; Align-GVGD: "Class C0"). In summary, the available evidence is currently insufficient to determine the role of this variant in disease. Therefore, it has been classified as a Variant of Uncertain Significance.

Fulgent Genetics
Classification: Uncertain significance for Seckel syndrome 5; Microcephaly 9, primary, autosomal recessive. Last evaluated: 2022-03-21. Review status: criteria provided, single submitter. Criteria: ACMG Guidelines, 2015. Collection method: clinical testing. Allele origin: unknown.

GeneDx
Classification: Uncertain significance. Last evaluated: 2020-01-03. Review status: criteria provided, single submitter. Criteria: GeneDx Variant Classification Process June 2021. Collection method: clinical testing. Allele origin: germline. Affected: yes.
Comment: In silico analysis, which includes protein predictors and evolutionary conservation, supports that this variant does not alter protein structure/function; Has not been previously published as pathogenic or benign to our knowledge